The following is an entry in ClinVar:

ClinVar aggregate classification (germline): Likely pathogenic (1 of 4 stars; one submission).

Conditions:
Mitochondrial short-chain Enoyl-Coa hydratase 1 deficiency. Also called: PxMD-ECHS1; Mitochondrial Short-Chain Enoyl-CoA Hydratase Deficiency; ECHS1 deficiency. Identifiers: Orphanet 255241, Orphanet 653880, MedGen C4225391, MONDO:0014563, OMIM 616277.

Submission:

Intergen Genetics and Rare Diseases Diagnosis Center
Classification: Likely pathogenic for Mitochondrial short-chain Enoyl-Coa hydratase 1 deficiency. Last evaluated: 2025-03-18. Review status: criteria provided, single submitter. Criteria: ACMG Guidelines, 2015. Collection method: clinical testing. Allele origin: maternal. Inheritance: Autosomal recessive inheritance. Affected: yes. Observed: 1 compound heterozygote.

NM_004092.4(ECHS1):c.288T>A (p.Ala96=)

Gene: ECHS1 (enoyl-CoA hydratase, short chain 1; minus strand). Cytogenetic location: 10q26.3.
Variant type: single nucleotide variant.
Coding change: c.288T>A on transcript NM_004092.4 (MANE Select); coding-DNA position 288, T replaced by A.
Protein change: p.Ala96=; no amino-acid change (alanine 96 retained).
Molecular consequence: synonymous variant.
Genome position (GRCh38, 1-based): chr10:133,370,030, A>T on the plus strand (T>A on the coding strand, the complement: ECHS1 is on the minus strand). VCF-style: chr10-133370030-A-T. GRCh37 (hg19) VCF-style: chr10-135183534-A-T.
Identifiers: ClinVar variation 3775078 (VCV003775078.1).